The following is an entry in ClinVar:

ClinVar aggregate classification (germline): Conflicting classifications of pathogenicity. Review status: criteria provided, conflicting classifications (1 of 4 stars). 3 submissions from 3 submitters: Uncertain significance (2); Likely benign (1). Last evaluated 2025-10-01.

Conditions:
Intellectual developmental disorder with seizures and language delay (IDDSELD). Identifiers: MedGen C5436574, MONDO:0033559, OMIM 619000.

gnomAD v4.1: 176 of 1,551,068 alleles (0.011%); highest among the groups gnomAD compares: Non-Finnish European, 0.014%; no homozygotes.

Submissions (3):

CeGaT Center for Human Genetics Tuebingen
Classification: Uncertain significance. Last evaluated: 2025-10-01. Review status: criteria provided, single submitter. Criteria: CeGaT Center For Human Genetics Tuebingen Variant Classification Criteria Version 2. Collection method: clinical testing. Allele origin: germline. Affected: yes. Observed: 1 variant allele.

Blueprint Genetics
Classification: Likely benign. Last evaluated: 2024-09-16. Review status: criteria provided, single submitter. Criteria: ACMG Guidelines, 2015. Collection method: clinical testing. Allele origin: germline.

Pittsburgh Clinical Genomics Laboratory, University of Pittsburgh Medical Center
Classification: Uncertain significance for Intellectual developmental disorder with seizures and language delay. Last evaluated: 2023-08-22. Review status: criteria provided, single submitter. Criteria: ACMG Guidelines, 2015. Collection method: clinical testing. Allele origin: germline. Inheritance: Autosomal dominant inheritance. Affected: yes.
Comment: This sequence variant is a single nucleotide substitution (G>A) at coding position 4981 of the SETD1B gene that results in a glutamine to lysine amino acid change at residue 1661 of the SETD1B protein. This variant has not been previously reported to databases of clinically annotated variants (ClinVar) or observed in the literature in individuals with SETD1B-related disease. This variant is present in control population datasets (gnomAD database 15 of 186808 alleles or 0.008%). Multiple bioinformatic tools predict that this variant would be damaging, and the Glu1661 residue is highly conserved across the mammalian species examined. Functiol studies testing the effect of this variant on protein structure or activity have not been performed, to our knowledge. At this time, there is insufficient evidence to determine if this variant is pathogenic or benign. Therefore, we consider this to be a variant of uncertain significance. ACMG Criteria: PM2, PP3

NM_001353345.2(SETD1B):c.4981G>A (p.Glu1661Lys)

Gene: SETD1B (SET domain containing 1B, histone lysine methyltransferase; plus strand). Cytogenetic location: 12q24.31.
Variant type: single nucleotide variant.
Coding change: c.4981G>A on transcript NM_001353345.2 (MANE Select); coding-DNA position 4981, G replaced by A.
Protein change: p.Glu1661Lys; replaces glutamic acid 1661 with lysine.
Molecular consequence: missense variant.
Genome position (GRCh38, 1-based): chr12:121,823,560, G>A. VCF-style: chr12-121823560-G-A. GRCh37 (hg19) VCF-style: chr12-122261466-G-A.
Other names: short protein forms E1661K.
Identifiers: ClinVar variation 3376265 (VCV003376265.8).